The following is an entry in ClinVar:

NM_033026.6(PCLO):c.9789G>T (p.Met3263Ile)

Gene: PCLO (piccolo presynaptic cytomatrix protein; minus strand). Cytogenetic location: 7q21.11.
Variant type: single nucleotide variant.
Coding change: c.9789G>T on transcript NM_033026.6 (MANE Select); coding-DNA position 9789, G replaced by T.
Protein change: p.Met3263Ile; replaces methionine 3263 with isoleucine.
Molecular consequence: missense variant.
Genome position (GRCh38, 1-based): chr7:82,950,799, C>A on the plus strand (G>T on the coding strand, the complement: PCLO is on the minus strand). VCF-style: chr7-82950799-C-A. GRCh37 (hg19) VCF-style: chr7-82580115-C-A.
Other names: c.9789G>T, p.Met3263Ile (NM_014510.3); short protein forms M3263I.
Identifiers: ClinVar variation 1975463 (VCV001975463.5), dbSNP rs765554756, ClinGen allele CA367906585.
Genomic context (GRCh38, chr7:82,950,799, plus strand): 5'-CTGCCTCATCATGAACTGGGCTTGCCGCTCTTCTTCTTGCTGAAAGAGAAGGTGTTGCTT[C>A]ATAGACTGCAGCTCCTCCAACTTTTTCTGAACCATGATCTTTTCTTGTTCTCGGAACCTT-3'
Protein context (NP_149015.2, residues 3253-3273): VQKKLEELQS[Met3263Ile]KQHLLFQQEE

ClinVar aggregate classification (germline): Uncertain significance (1 of 4 stars; one submission).

Allele frequency attached by ClinVar (database versions not stated): TOPMed 0.00001.

Submission:

Labcorp Genetics (formerly Invitae), Labcorp
Classification: Uncertain significance. Last evaluated: 2023-12-11. Review status: criteria provided, single submitter. Criteria: Invitae Variant Classification Sherloc (09022015). Collection method: clinical testing. Allele origin: germline.
Comment: This sequence change replaces methionine, which is neutral and non-polar, with isoleucine, which is neutral and non-polar, at codon 3263 of the PCLO protein (p.Met3263Ile). This variant is not present in population databases (gnomAD no frequency). This variant has not been reported in the literature in individuals affected with PCLO-related conditions. ClinVar contains an entry for this variant (Variation ID: 1975463). Experimental studies and prediction algorithms are not available or were not evaluated, and the functional significance of this variant is currently unknown. In summary, the available evidence is currently insufficient to determine the role of this variant in disease. Therefore, it has been classified as a Variant of Uncertain Significance.